The following is an entry in ClinVar:

NM_001193315.2(VIPAS39):c.1335G>A (p.Lys445=)

Gene: VIPAS39 (VPS33B interacting protein, apical-basolateral polarity regulator, spe-39 homolog; minus strand). Cytogenetic location: 14q24.3.
Variant type: single nucleotide variant.
Coding change: c.1335G>A on transcript NM_001193315.2 (MANE Select); coding-DNA position 1335, G replaced by A.
Protein change: p.Lys445=; no amino-acid change (lysine 445 retained).
Molecular consequence: synonymous variant. On other transcripts: non-coding transcript variant (1).
Genome position (GRCh38, 1-based): chr14:77,429,027, C>T on the plus strand (G>A on the coding strand, the complement: VIPAS39 is on the minus strand). VCF-style: chr14-77429027-C-T. GRCh37 (hg19) VCF-style: chr14-77895370-C-T.
Other names: c.1335G>A, p.Lys445= (NM_001193314.2, NM_001193317.2, NM_001400326.1 and 2 more transcripts); c.1188G>A, p.Lys396= (NM_001193316.2, NM_001400324.1, NM_001400325.1); c.1302G>A, p.Lys434= (NM_001400327.1); c.1248G>A, p.Lys416= (NM_001400330.1, NM_001400331.1, NM_001400332.1); c.1335G>A (NM_022067.3); c.1242G>A, p.Lys414= (NM_001400333.1, NM_001400334.1); c.1200G>A, p.Lys400= (NM_001400336.1); c.1095G>A, p.Lys365= (NM_001400337.1); and 2 more.
Identifiers: ClinVar variation 3003022 (VCV003003022.5), dbSNP rs1002053043, ClinGen allele CA263835091.

ClinVar aggregate classification (germline): Likely benign. Review status: criteria provided, single submitter (1 of 4 stars). 2 submissions from 2 submitters: Likely benign (1). 1 of the submissions does not count toward it. Last evaluated 2025-04-08.

Conditions:
VIPAS39-related disorder. Also called: VIPAS39-related condition.

Allele frequency attached by ClinVar (database versions not stated): TOPMed 0.00002; gnomAD exomes 0.00001.
gnomAD v4.1: 7 of 1,613,988 alleles (0.00043%); highest among the groups gnomAD compares: Admixed American, 0.0083%; no homozygotes.

Submissions (2):

Labcorp Genetics (formerly Invitae), Labcorp
Classification: Likely benign. Last evaluated: 2025-04-08. Review status: criteria provided, single submitter. Criteria: Invitae Variant Classification Sherloc (09022015). Collection method: clinical testing. Allele origin: germline.

PreventionGenetics, part of Exact Sciences
Classification: Likely benign for VIPAS39-related condition. Last evaluated: 2020-01-02. Review status: no assertion criteria provided. Collection method: clinical testing. Allele origin: germline. Not counted in ClinVar's aggregate classification.
Comment: This variant is classified as likely benign based on ACMG/AMP sequence variant interpretation guidelines (Richards et al. 2015 PMID: 25741868, with internal and published modifications).